The following is an entry in ClinVar:

ClinVar aggregate classification (germline): Uncertain significance (1 of 4 stars; one submission).

Conditions:
Hereditary cancer-predisposing syndrome. Also called: Neoplastic Syndromes, Hereditary; Tumor predisposition; Hereditary neoplastic syndrome; Hereditary Cancer Syndrome. Identifiers: Orphanet 140162, MedGen C0027672, MeSH D009386, MONDO:0015356.

Submission:

Ambry Genetics
Classification: Uncertain significance for Hereditary cancer-predisposing syndrome. Last evaluated: 2025-05-10. Review status: criteria provided, single submitter. Criteria: Ambry Variant Classification Scheme 2023. Collection method: clinical testing. Allele origin: germline.
Comment: The c.826delA variant, located in coding exon 1 of the MET gene, results from a deletion of one nucleotide at nucleotide position 826, causing a translational frameshift with a predicted alternate stop codon (p.T276Qfs*3). This alteration is expected to result in loss of function by premature protein truncation or nonsense-mediated mRNA decay. However, loss of function of MET has not been established as a mechanism of disease. Based on the available evidence, the clinical significance of this alteration remains unclear.

NM_000245.4(MET):c.826del (p.Thr276fs)

Gene: MET (MET proto-oncogene, receptor tyrosine kinase; plus strand). Cytogenetic location: 7q31.2.
Variant type: Deletion.
Coding change: c.826del on transcript NM_000245.4 (MANE Select); coding-DNA position 826, one base deleted (A; older notation c.826delA).
Protein change: p.Thr276fs; shifts the reading frame from threonine 276.
Molecular consequence: frameshift variant. On other transcripts: intron variant (1).
Genome position (GRCh38, 1-based): chr7:116,699,910, A deleted. VCF-style (leftmost placement, unchanged base first): chr7-116699909-CA-C. GRCh37 (hg19) VCF-style: chr7-116339963-CA-C.
Other names: c.826del, p.Thr276fs (NM_001127500.3, NM_001324401.3); c.-91+27333del (NM_001324402.2); short protein forms T276fs.
Identifiers: ClinVar variation 4053956 (VCV004053956.1).
Genomic context (GRCh38, chr7:116,699,909, plus strand): 5'-CAACAATTTTATTTACTTCTTGACGGTCCAAAGGGAAACTCTAGATGCTCAGACTTTTCA[CA>C]CAAGAATAATCAGGTTCTGTTCCATAAACTCTGGATTGCATTCCTACATGGAAATGCCTC-3'